The following is an entry in ClinVar:

NM_172250.3(MMAA):c.468dup (p.Ser157fs)

Gene: MMAA (metabolism of cobalamin associated A; plus strand). Cytogenetic location: 4q31.21.
Variant type: Duplication.
Coding change: c.468dup on transcript NM_172250.3 (MANE Select); coding-DNA position 468, one base duplicated (A; older notation c.468dupA).
Protein change: p.Ser157fs; shifts the reading frame from serine 157.
Molecular consequence: frameshift variant.
Genome position (GRCh38, 1-based): chr4:145,642,391, A duplicated; the last of 4 consecutive A bases (chr4:145,642,388-145,642,391); duplicating any one gives the same sequence. VCF-style (leftmost placement, unchanged base first): chr4-145642387-G-GA. GRCh37 (hg19) VCF-style: chr4-146563539-G-GA.
Other names: c.468dup, p.Ser157fs (NM_001375644.1); short protein forms S157fs.
Identifiers: ClinVar variation 1450413 (VCV001450413.6), dbSNP rs2126619930, ClinGen allele CA2573138133.

ClinVar aggregate classification (germline): Pathogenic (1 of 4 stars; one submission).

Conditions:
Methylmalonic aciduria, cblA type (MACA). Also called: Methylmalonic aciduria, vitamin B12-responsive; Methylmalonic aciduria, vitamin b12-responsive, due to defect in synthesis of adenosylcobalamin, cbla complementation type; MMA cbl A type; Methylmalonic acidemia cblA type; Vitamin B12-responsive methylmalonic acidemia type cblA. Identifiers: Orphanet 28, Orphanet 79310, MedGen C1855109, MONDO:0009613, OMIM 251100.

Submission:

Labcorp Genetics (formerly Invitae), Labcorp
Classification: Pathogenic for Methylmalonic aciduria, cblA type. Last evaluated: 2022-05-07. Review status: criteria provided, single submitter. Criteria: Invitae Variant Classification Sherloc (09022015). Collection method: clinical testing. Allele origin: germline.
Comment: For these reasons, this variant has been classified as Pathogenic. This variant has not been reported in the literature in individuals affected with MMAA-related conditions. This variant is not present in population databases (gnomAD no frequency). This sequence change creates a premature translational stop signal (p.Ser157Ilefs*13) in the MMAA gene. It is expected to result in an absent or disrupted protein product. Loss-of-function variants in MMAA are known to be pathogenic (PMID: 15523652, 15781192).

Literature cited by the submitters: PubMed 15523652; PubMed 15781192.